The following is an entry in ClinVar:

NM_000080.4(CHRNE):c.370T>A (p.Tyr124Asn)

Genes: C17orf107 (chromosome 17 open reading frame 107; plus strand), CHRNE (cholinergic receptor nicotinic epsilon subunit; minus strand). Cytogenetic location: 17p13.2.
Variant type: single nucleotide variant.
Coding change: c.370T>A on transcript NM_000080.4 (MANE Select); coding-DNA position 370, T replaced by A.
Protein change: p.Tyr124Asn; replaces tyrosine 124 with asparagine.
Molecular consequence: missense variant. On other transcripts: 3 prime UTR variant (1).
Genome position (GRCh38, 1-based): chr17:4,902,062, A>T on the plus strand (T>A on the coding strand, the complement: CHRNE is on the minus strand). VCF-style: chr17-4902062-A-T. GRCh37 (hg19) VCF-style: chr17-4805357-A-T.
Other names: c.*1529A>T (NM_001145536.2); short protein forms Y124N.
Identifiers: ClinVar variation 3625127 (VCV003625127.2).

ClinVar aggregate classification (germline): Uncertain significance (1 of 4 stars; one submission).

Conditions:
Congenital myasthenic syndrome 4A. Also called: MYASTHENIC SYNDROME, CONGENITAL, 4A, SLOW-CHANNEL, AUTOSOMAL RECESSIVE; Myasthenic syndrome, congenital, 4a, slow-channel; CONGENITAL MYASTHENIC SYNDROME TYPE Ia1. Identifiers: Orphanet 590, MedGen C4225413, MONDO:0011600, OMIM 605809.

Submission:

Labcorp Genetics (formerly Invitae), Labcorp
Classification: Uncertain significance for Congenital myasthenic syndrome 4A. Last evaluated: 2024-05-08. Review status: criteria provided, single submitter. Criteria: Invitae Variant Classification Sherloc (09022015). Collection method: clinical testing. Allele origin: germline.
Comment: This sequence change replaces tyrosine, which is neutral and polar, with asparagine, which is neutral and polar, at codon 124 of the CHRNE protein (p.Tyr124Asn). This variant is not present in population databases (gnomAD no frequency). This variant has not been reported in the literature in individuals affected with CHRNE-related conditions. Advanced modeling of protein sequence and biophysical properties (such as structural, functional, and spatial information, amino acid conservation, physicochemical variation, residue mobility, and thermodynamic stability) performed at Invitae indicates that this missense variant is expected to disrupt CHRNE protein function with a positive predictive value of 95%. In summary, the available evidence is currently insufficient to determine the role of this variant in disease. Therefore, it has been classified as a Variant of Uncertain Significance.